The following is an entry in ClinVar:

ClinVar aggregate classification (germline): Uncertain significance (1 of 4 stars; one submission).

Conditions:
BAP1-related tumor predisposition syndrome (TPDS1). Also called: Tumor susceptibility linked to germline BAP1 mutations; TUMOR PREDISPOSITION SYNDROME 1; BAP1 tumor predisposition syndrome; COMMON Syndrome. Identifiers: Orphanet 289539, MedGen C3280492, MONDO:0013692, OMIM 614327.

gnomAD v4.1: 1 of 1,613,648 alleles (0.000062%); highest among the groups gnomAD compares: Admixed American, 0.0017%; no homozygotes.

Submission:

Labcorp Genetics (formerly Invitae), Labcorp
Classification: Uncertain significance for BAP1-related tumor predisposition syndrome. Last evaluated: 2024-08-07. Review status: criteria provided, single submitter. Criteria: Invitae Variant Classification Sherloc (09022015). Collection method: clinical testing. Allele origin: germline.
Comment: This sequence change replaces asparagine, which is neutral and polar, with threonine, which is neutral and polar, at codon 504 of the BAP1 protein (p.Asn504Thr). This variant is present in population databases (no rsID available, gnomAD 0.003%). This variant has not been reported in the literature in individuals affected with BAP1-related conditions. Advanced modeling of protein sequence and biophysical properties (such as structural, functional, and spatial information, amino acid conservation, physicochemical variation, residue mobility, and thermodynamic stability) performed at Invitae indicates that this missense variant is not expected to disrupt BAP1 protein function with a negative predictive value of 80%. In summary, the available evidence is currently insufficient to determine the role of this variant in disease. Therefore, it has been classified as a Variant of Uncertain Significance.

NM_004656.4(BAP1):c.1511A>C (p.Asn504Thr)

Gene: BAP1 (BRCA1 associated deubiquitinase 1; minus strand). Cytogenetic location: 3p21.1.
Variant type: single nucleotide variant.
Coding change: c.1511A>C on transcript NM_004656.4 (MANE Select); coding-DNA position 1511, A replaced by C.
Protein change: p.Asn504Thr; replaces asparagine 504 with threonine.
Molecular consequence: missense variant.
Genome position (GRCh38, 1-based): chr3:52,403,634, T>G on the plus strand (A>C on the coding strand, the complement: BAP1 is on the minus strand). VCF-style: chr3-52403634-T-G. GRCh37 (hg19) VCF-style: chr3-52437650-T-G.
Other names: c.1457A>C, p.Asn486Thr (NM_001410772.1); short protein forms N504T, N486T.
Identifiers: ClinVar variation 3671917 (VCV003671917.2).